The following is an entry in ClinVar:

NM_001130438.3(SPTAN1):c.7014-16_7014-13delinsAGGT

Gene: SPTAN1 (spectrin alpha, non-erythrocytic 1; plus strand). Cytogenetic location: 9q34.11.
Variant type: Indel.
Coding change: c.7014-16_7014-13delinsAGGT on transcript NM_001130438.3 (MANE Select); 16 bases into the intron before coding-DNA position 7014 through 13 bases into the intron before coding-DNA position 7014, CGGC replaced by AGGT.
Molecular consequence: intron variant.
Genome position (GRCh38, 1-based): chr9:128,632,556-128,632,559, CGGC replaced by AGGT. VCF-style: chr9-128632556-CGGC-AGGT. GRCh37 (hg19) VCF-style: chr9-131394835-CGGC-AGGT.
Other names: c.7077-16_7077-13delinsAGGT (NM_001363759.2); c.6999-16_6999-13delinsAGGT (NM_003127.4); c.6954-16_6954-13delinsAGGT (NM_001363765.2); c.6939-16_6939-13delinsAGGT (NM_001195532.2).
Identifiers: ClinVar variation 207372 (VCV000207372.1), dbSNP rs796053336, ClinGen allele CA318773.

ClinVar aggregate classification (germline): Uncertain significance (1 of 4 stars; one submission).

Submission:

GeneDx
Classification: Uncertain significance. Last evaluated: 2013-07-17. Review status: criteria provided, single submitter. Criteria: GeneDx Variant Classification (06012015). Collection method: clinical testing. Allele origin: germline. Affected: yes.
Comment: IVS54-(16_13)delCGGCinsAGGT: c.7014-16_7014-13delCGGCinsAGGT in intron 54 of the SPTAN1 gene (NM_001130438.1) This variant has not been published as a mutation, nor has it been reported as a benign polymorphism to our knowledge. It was not observed in approximately 6,000 individuals of European and African American ancestry in the NHLBI Exome Sequencing Project, indicating it is not a common benign variant in these populations. Multiple in silico models predict that the c.7014-16_7014-13delCGGCinsAGGT substitution could potentially create a new cryptic splice acceptor site that may supplant the natural site at the intron 54/exon 55 boundary and lead to abnormal splicing. However, no splice mutations have been reported in the SPTAN1 gene to our knowledge, and in the absence of RNA/functional studies, the actual effect of the c.7014-16_7014-13delCGGCinsAGGT sequence change is unknown. The variant is found in INFANT-EPI panel(s).